The following is an entry in ClinVar:

NM_018127.7(ELAC2):c.1908+1G>A

Gene: ELAC2 (elaC ribonuclease Z 2; minus strand). Cytogenetic location: 17p12.
Variant type: single nucleotide variant.
Coding change: c.1908+1G>A on transcript NM_018127.7 (MANE Select); the canonical splice donor site of the intron after coding-DNA position 1908, G replaced by A.
Molecular consequence: splice donor variant.
Genome position (GRCh38, 1-based): chr17:12,994,962, C>T on the plus strand (G>A on the coding strand, the complement: ELAC2 is on the minus strand). VCF-style: chr17-12994962-C-T. GRCh37 (hg19) VCF-style: chr17-12898279-C-T.
Other names: c.1788+1G>A (NM_001165962.1, NM_001165962.2); c.1905+1G>A (NM_173717.2).
Identifiers: ClinVar variation 1029514 (VCV001029514.7), dbSNP rs1014558424, ClinGen allele CA398223254.
Genomic context (GRCh38, chr17:12,994,962, plus strand): 5'-GAGGGCTCTGCAGCTCTGCTCCCCACCTCGCCCCCATGATGCCTGCGGCTGTGCCCCTTA[C>T]CTCTTCCAAATCACATGTTCGCAACAGCGAACTGATCAATCTTTCCACTGCAGGACTGGA-3'

ClinVar aggregate classification (germline): Likely pathogenic. Review status: criteria provided, multiple submitters, no conflicts (2 of 4 stars). 4 submissions from 4 submitters: Likely pathogenic (4). Last evaluated 2026-02-10.

Conditions:
Combined oxidative phosphorylation defect type 17. Also called: Combined oxidative phosphorylation deficiency 17. Identifiers: Orphanet 369913, MedGen C3809526, MONDO:0014190, OMIM 615440.
Prostate cancer, hereditary, 2 (HPC2). Identifiers: Orphanet 1331, MedGen C3539120, MONDO:0013872, OMIM 614731.

Allele frequency attached by ClinVar (database versions not stated): gnomAD exomes below 0.00001 and 0.00001.

Submissions (4):

Dasa
Classification: Likely pathogenic. Last evaluated: 2026-02-10. Review status: criteria provided, single submitter. Criteria: DASA Assertion Criteria. Collection method: clinical testing. Allele origin: germline.
Comment: NM_018127.7(ELAC2):c.1908+1G>A affects a canonical splice site and is predicted to disrupt normal RNA splicing. Loss of function is an established disease mechanism for ELAC2-associated disorders. Also, this variant is rare in population databases. Based on the currently available evidence, this variant is classified as likely pathogenic.

Genomic Medicine Center of Excellence, King Faisal Specialist Hospital and Research Centre
Classification: Likely pathogenic for Prostate cancer, hereditary, 2. Last evaluated: 2024-04-04. Review status: criteria provided, single submitter. Criteria: ACMG Guidelines, 2015. Collection method: clinical testing. Allele origin: germline.

Labcorp Genetics (formerly Invitae), Labcorp
Classification: Likely pathogenic for Combined oxidative phosphorylation defect type 17. Last evaluated: 2024-01-20. Review status: criteria provided, single submitter. Criteria: Invitae Variant Classification Sherloc (09022015). Collection method: clinical testing. Allele origin: germline.
Comment: This sequence change affects a donor splice site in intron 20 of the ELAC2 gene. It is expected to disrupt RNA splicing. Variants that disrupt the donor or acceptor splice site typically lead to a loss of protein function (PMID: 16199547), and loss-of-function variants in ELAC2 are known to be pathogenic (PMID: 27769300, 31045291). This variant is present in population databases (no rsID available, gnomAD 0.0009%). This variant has not been reported in the literature in individuals affected with ELAC2-related conditions. ClinVar contains an entry for this variant (Variation ID: 1029514). Algorithms developed to predict the effect of sequence changes on RNA splicing suggest that this variant may disrupt the consensus splice site. In summary, the currently available evidence indicates that the variant is pathogenic, but additional data are needed to prove that conclusively. Therefore, this variant has been classified as Likely Pathogenic.

Baylor Genetics
Classification: Likely pathogenic for Combined oxidative phosphorylation defect type 17. Last evaluated: 2020-08-01. Review status: criteria provided, single submitter. Criteria: ACMG Guidelines, 2015. Collection method: clinical testing. Allele origin: unknown. Affected: yes.
Comment: This variant was determined to be likely pathogenic according to ACMG Guidelines, 2015 [PMID:25741868].

Literature cited by the submitters: PubMed 16199547 (cited by Labcorp Genetics (formerly Invitae), Labcorp); PubMed 27769300 (cited by Labcorp Genetics (formerly Invitae), Labcorp); PubMed 31045291 (cited by Labcorp Genetics (formerly Invitae), Labcorp).